The following is an entry in ClinVar:

ClinVar aggregate classification (germline): Uncertain significance (1 of 4 stars; one submission).

Conditions:
Hereditary sensory and autonomic neuropathy type 6. Also called: HSAN VI; Neuropathy, hereditary sensory and autonomic, type VI. Identifiers: Orphanet 314381, MedGen C3539003, MONDO:0013839, OMIM 614653.
Epidermolysis bullosa simplex 3, localized or generalized intermediate, with BP230 deficiency (EBS3). Also called: Epidermolysis bullosa simplex due to BP230 deficiency; Epidermolysis bullosa simplex, autosomal recessive 2. Identifiers: Orphanet 412181, MedGen C3809470, MONDO:0014180, OMIM 615425.

Allele frequency attached by ClinVar (database versions not stated): gnomAD exomes below 0.00001; gnomAD 0.00001.
gnomAD v4.1: 5 of 1,612,386 alleles (0.00031%); highest among the groups gnomAD compares: African/African-American, 0.0067%; no homozygotes.

Submission:

Labcorp Genetics (formerly Invitae), Labcorp
Classification: Uncertain significance for Epidermolysis bullosa simplex 3, localized or generalized intermediate, with BP230 deficiency; Hereditary sensory and autonomic neuropathy type 6. Last evaluated: 2022-11-29. Review status: criteria provided, single submitter. Criteria: Invitae Variant Classification Sherloc (09022015). Collection method: clinical testing. Allele origin: germline.
Comment: In summary, the available evidence is currently insufficient to determine the role of this variant in disease. Therefore, it has been classified as a Variant of Uncertain Significance. Experimental studies and prediction algorithms are not available or were not evaluated, and the effect of this variant on mRNA splicing is currently unknown. This variant has not been reported in the literature in individuals affected with DST-related conditions. This variant is not present in population databases (gnomAD no frequency). This sequence change affects codon 2256 of the DST mRNA. It is a 'silent' change, meaning that it does not change the encoded amino acid sequence of the DST protein. The DST gene has multiple clinically relevant transcripts. This variant occurs in alternate transcript NM_015548.4, and corresponds to NM_001723.5:c.*58195G>A in the primary transcript.

NM_001374736.1(DST):c.14637G>A (p.Val4879=)

Gene: DST (dystonin; minus strand). Cytogenetic location: 6p12.1.
Variant type: single nucleotide variant.
Coding change: c.14637G>A on transcript NM_001374736.1 (MANE Select); coding-DNA position 14637, G replaced by A.
Protein change: p.Val4879=; no amino-acid change (valine 4879 retained).
Molecular consequence: synonymous variant.
Genome position (GRCh38, 1-based): chr6:56,557,322, C>T on the plus strand (G>A on the coding strand, the complement: DST is on the minus strand). VCF-style: chr6-56557322-C-T. GRCh37 (hg19) VCF-style: chr6-56422120-C-T.
Other names: c.8280G>A, p.Val2760= (NM_001144769.5); c.7866G>A, p.Val2622= (NM_001144770.2); c.14637G>A, p.Val4879= (NM_001374722.1); c.14004G>A, p.Val4668= (NM_001374729.1); c.7746G>A, p.Val2582= (NM_001374730.1, NM_001386100.1, NM_183380.4); c.14664G>A, p.Val4888= (NM_001374734.1); c.6768G>A, p.Val2256= (NM_015548.5).
Identifiers: ClinVar variation 1006196 (VCV001006196.7), dbSNP rs765614214, ClinGen allele CA139208098.